The following is an entry in ClinVar:

NM_001042492.3(NF1):c.4370A>C (p.Lys1457Thr)

Gene: NF1 (neurofibromin 1; plus strand). Cytogenetic location: 17q11.2.
Variant type: single nucleotide variant.
Coding change: c.4370A>C on transcript NM_001042492.3 (MANE Select); coding-DNA position 4370, A replaced by C.
Protein change: p.Lys1457Thr; replaces lysine 1457 with threonine.
Molecular consequence: missense variant.
Genome position (GRCh38, 1-based): chr17:31,259,069, A>C. VCF-style: chr17-31259069-A-C. GRCh37 (hg19) VCF-style: chr17-29586087-A-C.
Other names: c.4307A>C, p.Lys1436Thr (NM_000267.4); short protein forms K1436T, K1457T.
Identifiers: ClinVar variation 3634553 (VCV003634553.5).

ClinVar aggregate classification (germline): Likely pathogenic. Review status: criteria provided, multiple submitters, no conflicts (2 of 4 stars). 3 submissions from 3 submitters: Likely pathogenic (3). Last evaluated 2025-06-02.

Conditions:
Neurofibromatosis, type 1 (NF1). Also called: Neurofibromatosis, type I; Peripheral type neurofibromatosis; VON RECKLINGHAUSEN DISEASE; NEUROFIBROMATOSIS, TYPE I, SOMATIC. Identifiers: Orphanet 636, MedGen C0027831, MONDO:0018975, OMIM 162200. Disease mechanism: loss of function.
NF1-related disorder. Also called: NF1-related condition. Identifiers: MedGen CN379171.

Submissions (3):

Dasa
Classification: Likely pathogenic. Last evaluated: 2025-06-02. Review status: criteria provided, single submitter. Criteria: DASA Assertion Criteria. Collection method: clinical testing. Allele origin: germline.
Comment: NM_001042492.3(NF1):c.4370A>C (p.Lys1457Thr) is a missense variant that results in the substitution of lysine with threonine. The affected residue or protein region has prior evidence supporting clinical relevance. This variant is absent from population databases. Computational evidence supports a deleterious effect. Based on the currently available evidence, this variant is classified as likely pathogenic.

Labcorp Genetics (formerly Invitae), Labcorp
Classification: Likely pathogenic for Neurofibromatosis, type 1. Last evaluated: 2024-11-26. Review status: criteria provided, single submitter. Criteria: Invitae Variant Classification Sherloc (09022015). Collection method: clinical testing. Allele origin: germline.
Comment: This sequence change replaces lysine, which is basic and polar, with threonine, which is neutral and polar, at codon 1436 of the NF1 protein (p.Lys1436Thr). This variant is not present in population databases (gnomAD no frequency). This variant has not been reported in the literature in individuals affected with NF1-related conditions. Invitae Evidence Modeling of protein sequence and biophysical properties (such as structural, functional, and spatial information, amino acid conservation, physicochemical variation, residue mobility, and thermodynamic stability) indicates that this missense variant is expected to disrupt NF1 protein function with a positive predictive value of 95%. This variant disrupts the p.Lys1436 amino acid residue in NF1. Other variant(s) that disrupt this residue have been determined to be pathogenic (PMID: 21354044, 23913538, 24789688). This suggests that this residue is clinically significant, and that variants that disrupt this residue are likely to be disease-causing. In summary, the currently available evidence indicates that the variant is pathogenic, but additional data are needed to prove that conclusively. Therefore, this variant has been classified as Likely Pathogenic.

Blueprint Genetics
Classification: Likely pathogenic for NF1-related disorders. Last evaluated: 2021-09-10. Review status: criteria provided, single submitter. Criteria: ACMG Guidelines, 2015. Collection method: clinical testing. Allele origin: germline. Affected: yes. Observed: 2 variant alleles.

Literature cited by the submitters: PubMed 21354044 (cited by Labcorp Genetics (formerly Invitae), Labcorp); PubMed 23913538 (cited by Labcorp Genetics (formerly Invitae), Labcorp); PubMed 24789688 (cited by Labcorp Genetics (formerly Invitae), Labcorp).